The following is an entry in ClinVar:

NM_017636.4(TRPM4):c.3329-4G>A

Gene: TRPM4 (transient receptor potential cation channel subfamily M member 4; plus strand). Cytogenetic location: 19q13.33.
Variant type: single nucleotide variant.
Coding change: c.3329-4G>A on transcript NM_017636.4 (MANE Select); 4 bases into the intron before coding-DNA position 3329, G replaced by A.
Molecular consequence: intron variant.
Genome position (GRCh38, 1-based): chr19:49,210,706, G>A. VCF-style: chr19-49210706-G-A. GRCh37 (hg19) VCF-style: chr19-49713963-G-A.
Other names: c.2894-4G>A (NM_001195227.2); c.1721-4G>A (NM_001321282.2); c.2984-4G>A (NM_001321281.2); c.2807-4G>A (NM_001321283.2); c.2267-4G>A (NM_001321285.2).
Identifiers: ClinVar variation 511647 (VCV000511647.1), dbSNP rs374808636, ClinGen allele CA309420605.
Genomic context (GRCh38, chr19:49,210,706, plus strand): 5'-GAAGGGGCAGCTGGGATTGGGAAGGGGCGTGGCCTGAGCCCTTTGACTCCGCCCGCCCCT[G>A]CAGGGGTTTACCTTTCTAAGGAAGCCGAGCGGAAGCTGCTAACGTGGGAATCGGTGCATA-3'

ClinVar aggregate classification (germline): Likely benign (1 of 4 stars; one submission).

Allele frequency attached by ClinVar (database versions not stated): gnomAD exomes below 0.00001 and 0.00001; ESP Exome Variant Server 0.00008.
gnomAD v4.1: 13 of 1,614,148 alleles (0.00081%); highest among the groups gnomAD compares: South Asian, 0.0011%; no homozygotes.

Submission:

GeneDx
Classification: Likely benign. Last evaluated: 2017-08-23. Review status: criteria provided, single submitter. Criteria: GeneDx Variant Classification (06012015). Collection method: clinical testing. Allele origin: germline. Affected: yes.
Comment: This variant is considered likely benign or benign based on one or more of the following criteria: it is a conservative change, it occurs at a poorly conserved position in the protein, it is predicted to be benign by multiple in silico algorithms, and/or has population frequency not consistent with disease.